The following is an entry in ClinVar:

ClinVar aggregate classification (germline): Pathogenic. Review status: criteria provided, multiple submitters, no conflicts (2 of 4 stars). 5 submissions from 5 submitters: Pathogenic (5). Last evaluated 2025-02-15.

Conditions:
Sanfilippo syndrome. Also called: Sanfilippo disease; Mucopolysaccharidosis type 3; Mucopolysaccharidosis Type III. Identifiers: Orphanet 581, MedGen C0026706, MONDO:0018937.
HGSNAT-related disorders.
Retinal dystrophy. Also called: Inherited retinal dystrophy. Identifiers: Orphanet 71862, MedGen C0854723, MeSH D058499, MONDO:0019118, HP:0000556.
Retinitis pigmentosa 73 (RP73). Identifiers: Orphanet 791, MedGen C4225287, MONDO:0014687, OMIM 616544.
Mucopolysaccharidosis, MPS-III-C (MPS3C). Also called: Mucopolysaccharidosis type IIIC (Sanfilippo C); SANFILIPPO SYNDROME C; MUCOPOLYSACCHARIDOSIS, TYPE IIIC; mucopolysaccharidosis type 3C; MPS IIIC (Sanfilippo Syndrome Type C); MPS III C. Identifiers: Orphanet 581, Orphanet 79271, MedGen C0086649, MONDO:0009657, OMIM 252930.

Allele frequency attached by ClinVar (database versions not stated): gnomAD 0.00001; TOPMed 0.00001.
gnomAD v4.1: 4 of 1,585,584 alleles (0.00025%); highest among the groups gnomAD compares: Admixed American, 0.0018%; no homozygotes.

Submissions (5):

Labcorp Genetics (formerly Invitae), Labcorp
Classification: Pathogenic for Retinitis pigmentosa 73; Mucopolysaccharidosis, MPS-III-C. Last evaluated: 2025-02-15. Review status: criteria provided, single submitter. Criteria: Invitae Variant Classification Sherloc (09022015). Collection method: clinical testing. Allele origin: germline.
Comment: This sequence change creates a premature translational stop signal (p.Arg203*) in the HGSNAT gene. It is expected to result in an absent or disrupted protein product. Loss-of-function variants in HGSNAT are known to be pathogenic (PMID: 17033958, 19479962). This variant is not present in population databases (gnomAD no frequency). This premature translational stop signal has been observed in individual(s) with mucopolysaccharidosis IIIC (PMID: 18024218). ClinVar contains an entry for this variant (Variation ID: 569138). Algorithms developed to predict the effect of sequence changes on RNA splicing suggest that this variant may disrupt the consensus splice site. For these reasons, this variant has been classified as Pathogenic.

Fulgent Genetics
Classification: Pathogenic for Mucopolysaccharidosis, MPS-III-C; Retinitis pigmentosa 73. Last evaluated: 2024-04-17. Review status: criteria provided, single submitter. Criteria: ACMG Guidelines, 2015. Collection method: clinical testing. Allele origin: germline.

Blueprint Genetics
Classification: Pathogenic for HGSNAT-related disorders. Last evaluated: 2023-10-20. Review status: criteria provided, single submitter. Criteria: ACMG Guidelines, 2015. Collection method: clinical testing. Allele origin: germline. Affected: yes. Observed: 4 variant alleles.

Institute of Human Genetics, Univ. Regensburg, Univ. Regensburg
Classification: Pathogenic for Retinal dystrophy. Last evaluated: 2022-01-01. Review status: criteria provided, single submitter. Criteria: ACMG Guidelines, 2015. Collection method: clinical testing. Allele origin: germline. Affected: yes.

Women's Health and Genetics/Laboratory Corporation of America, LabCorp
Classification: Pathogenic for Sanfilippo syndrome. Last evaluated: 2018-04-11. Review status: criteria provided, single submitter. Criteria: LabCorp Variant Classification Summary - May 2015. Collection method: clinical testing. Allele origin: germline.
Comment: Variant summary: HGSNAT c.607C>T (p.Arg203X) results in a premature termination codon, predicted to cause a truncation of the encoded protein or absence of the protein due to nonsense mediated decay, which are commonly known mechanisms for disease. Truncations downstream of this position have been classified as pathogenic by our laboratory (e.g. c.1150C>T (p.Arg384X)). The variant was absent in 216360 control chromosomes in gnomAD. c.607C>T has been reported in the literature in individuals affected with Mucopolysaccharidosis Type IIIC (Sanfilippo Syndrome C) (Ruijter 2008). Two publications reported experimental evidence evaluating an impact on protein function. The most pronounced variant effect results in <10% of normal activity (Ruijter 2008, Gomez-Grau 2015). No clinical diagnostic laboratories have submitted clinical-significance assessments for this variant to ClinVar after 2014. Based on the evidence outlined above, the variant was classified as pathogenic.

Literature cited by the submitters: PubMed 17033958 (cited by Labcorp Genetics (formerly Invitae), Labcorp); PubMed 19479962 (cited by Labcorp Genetics (formerly Invitae), Labcorp); PubMed 18024218 (cited by 3 submitters); PubMed 2552515 (cited by Institute of Human Genetics, Univ. Regensburg, Univ. Regensburg); PubMed 26287674 (cited by Women's Health and Genetics/Laboratory Corporation of America, LabCorp).

NM_152419.3(HGSNAT):c.607C>T (p.Arg203Ter)

Gene: HGSNAT (heparan-alpha-glucosaminide N-acetyltransferase; plus strand). Cytogenetic location: 8p11.21.
Variant type: single nucleotide variant.
Coding change: c.607C>T on transcript NM_152419.3 (MANE Select); coding-DNA position 607, C replaced by T.
Protein change: p.Arg203Ter; replaces arginine 203 with a stop codon.
Molecular consequence: nonsense. On other transcripts: 5 prime UTR variant (1).
Genome position (GRCh38, 1-based): chr8:43,169,216, C>T. VCF-style: chr8-43169216-C-T. GRCh37 (hg19) VCF-style: chr8-43024359-C-T.
Other names: c.607C>T, p.Arg203Ter (NM_001363227.2, NM_001363228.2); c.-227C>T (NM_001363229.2); short protein forms R203*.
Identifiers: ClinVar variation 569138 (VCV000569138.11), dbSNP rs1563366896, ClinGen allele CA371115990.